The following is an entry in ClinVar:

ClinVar aggregate classification (germline): Uncertain significance. Review status: criteria provided, multiple submitters, no conflicts (2 of 4 stars). 2 submissions from 2 submitters: Uncertain significance (2). Last evaluated 2025-11-01.

Conditions:
Inborn genetic diseases. Identifiers: MedGen C0950123, MeSH D030342.

Allele frequency attached by ClinVar (database versions not stated): gnomAD 0.00001; gnomAD exomes 0.00001; TOPMed 0.00001.
gnomAD v4.1: 21 of 1,612,570 alleles (0.0013%); highest among the groups gnomAD compares: South Asian, 0.0055%; no homozygotes.

Submissions (2):

Labcorp Genetics (formerly Invitae), Labcorp
Classification: Uncertain significance. Last evaluated: 2025-11-01. Review status: criteria provided, single submitter. Criteria: Invitae Variant Classification Sherloc (09022015). Collection method: clinical testing. Allele origin: germline.
Comment: This sequence change replaces arginine, which is basic and polar, with cysteine, which is neutral and slightly polar, at codon 1342 of the DUOX2 protein (p.Arg1342Cys). This variant is present in population databases (no rsID available, gnomAD 0.003%). This variant has not been reported in the literature in individuals affected with DUOX2-related conditions. ClinVar contains an entry for this variant (Variation ID: 2055412). Invitae Evidence Modeling of protein sequence and biophysical properties (such as structural, functional, and spatial information, amino acid conservation, physicochemical variation, residue mobility, and thermodynamic stability) indicates that this missense variant is not expected to disrupt DUOX2 protein function with a negative predictive value of 80%. In summary, the available evidence is currently insufficient to determine the role of this variant in disease. Therefore, it has been classified as a Variant of Uncertain Significance.

Ambry Genetics
Classification: Uncertain significance for Inborn genetic diseases. Last evaluated: 2024-03-01. Review status: criteria provided, single submitter. Criteria: Ambry Variant Classification Scheme 2023. Collection method: clinical testing. Allele origin: germline.

NM_001363711.2(DUOX2):c.4024C>T (p.Arg1342Cys)

Gene: DUOX2 (dual oxidase 2; minus strand). Cytogenetic location: 15q21.1.
Variant type: single nucleotide variant.
Coding change: c.4024C>T on transcript NM_001363711.2 (MANE Select); coding-DNA position 4024, C replaced by T.
Protein change: p.Arg1342Cys; replaces arginine 1342 with cysteine.
Molecular consequence: missense variant.
Genome position (GRCh38, 1-based): chr15:45,095,884, G>A on the plus strand (C>T on the coding strand, the complement: DUOX2 is on the minus strand). VCF-style: chr15-45095884-G-A. GRCh37 (hg19) VCF-style: chr15-45388082-G-A.
Other names: c.4024C>T (NM_014080.4); c.4024C>T, p.Arg1342Cys (NM_014080.5); short protein forms R1342C.
Identifiers: ClinVar variation 2055412 (VCV002055412.5), dbSNP rs1436211925, ClinGen allele CA392253590.